The following is an entry in ClinVar:

NM_178857.6(RP1L1):c.1795G>A (p.Glu599Lys)

Gene: RP1L1 (RP1 like 1). Cytogenetic location: 8p23.1.
Variant type: single nucleotide variant.
Coding change: c.1795G>A on transcript NM_178857.6 (MANE Select); coding-DNA position 1795, G replaced by A.
Protein change: p.Glu599Lys; replaces glutamic acid 599 with lysine.
Molecular consequence: missense variant.
Genome position (GRCh38, 1-based): chr8:10,612,303, C>T on the plus strand (G>A on the coding strand, the complement: RP1L1 is on the minus strand). VCF-style: chr8-10612303-C-T. GRCh37 (hg19) VCF-style: chr8-10469813-C-T.
Other names: short protein forms E599K.
Identifiers: ClinVar variation 910418 (VCV000910418.32), dbSNP rs150491290, ClinGen allele CA4625055.

ClinVar aggregate classification (germline): Benign/Likely benign. Review status: criteria provided, multiple submitters, no conflicts (2 of 4 stars). 5 submissions from 5 submitters: Benign (1); Likely benign (2). 2 of the submissions do not count toward it. Last evaluated 2024-08-28.

Conditions:
Occult macular dystrophy (OCMD). Also called: OMD; OCCULT MACULAR DYSTROPHY, SUSCEPTIBILITY TO. Identifiers: Orphanet 247834, MedGen C3150833, MONDO:0013316, OMIM 613587, HP:0030636.

Allele frequency attached by ClinVar (database versions not stated): gnomAD exomes 0.00049; ExAC 0.00056; ESP Exome Variant Server 0.00136; gnomAD 0.00160 and 0.00161; TOPMed 0.00175; 1000 Genomes Project 0.00180; 1000 Genomes Project 30x 0.00203.
gnomAD v4.1: 603 of 1,613,234 alleles (0.037%); highest among the groups gnomAD compares: African/African-American, 0.56%; 1 homozygote.

Submissions (5):

Blueprint Genetics
Classification: Likely benign. Last evaluated: 2024-08-28. Review status: criteria provided, single submitter. Criteria: ACMG Guidelines, 2015. Collection method: clinical testing. Allele origin: germline.

CeGaT Center for Human Genetics Tuebingen
Classification: Likely benign. Last evaluated: 2023-03-01. Review status: criteria provided, single submitter. Criteria: CeGaT Center For Human Genetics Tuebingen Variant Classification Criteria Version 2. Collection method: clinical testing. Allele origin: germline. Affected: yes. Observed: 1 variant allele.
Comment: RP1L1: BP4

Illumina Laboratory Services, Illumina
Classification: Benign for Occult macular dystrophy. Last evaluated: 2018-01-13. Review status: criteria provided, single submitter. Criteria: ICSL Variant Classification Criteria 13 December 2019. Collection method: clinical testing. Allele origin: germline.
Comment: This variant was observed in the ICSL laboratory as part of a predisposition screen in an ostensibly healthy population. It had not been previously curated by ICSL or reported in the Human Gene Mutation Database (HGMD: prior to June 1st, 2018), and was therefore a candidate for classification through an automated scoring system. Utilizing variant allele frequency, disease prevalence and penetrance estimates, and inheritance mode, an automated score was calculated to assess if this variant is too frequent to cause the disease. Based on the score and internal cut-off values, a variant classified as benign is not then subjected to further curation. The score for this variant resulted in a classification of benign for this disease.

Clinical Genetics DNA and cytogenetics Diagnostics Lab, Erasmus MC, Erasmus Medical Center
Classification: Likely benign. Review status: no assertion criteria provided. Collection method: clinical testing. Allele origin: germline. Affected: yes. Study: VKGL Data-share Consensus. Not counted in ClinVar's aggregate classification.

Clinical Genetics, Academic Medical Center
Classification: Benign. Review status: no assertion criteria provided. Collection method: clinical testing. Allele origin: germline. Affected: yes. Study: VKGL Data-share Consensus. Not counted in ClinVar's aggregate classification.